The following is an entry in ClinVar:

NM_002156.5(HSPD1):c.1625C>G (p.Ala542Gly)

Gene: HSPD1 (heat shock protein family D (Hsp60) member 1; minus strand). Cytogenetic location: 2q33.1.
Variant type: single nucleotide variant.
Coding change: c.1625C>G on transcript NM_002156.5 (MANE Select); coding-DNA position 1625, C replaced by G.
Protein change: p.Ala542Gly; replaces alanine 542 with glycine.
Molecular consequence: missense variant.
Genome position (GRCh38, 1-based): chr2:197,487,143, G>C on the plus strand (C>G on the coding strand, the complement: HSPD1 is on the minus strand). VCF-style: chr2-197487143-G-C. GRCh37 (hg19) VCF-style: chr2-198351867-G-C.
Other names: c.1625C>G, p.Ala542Gly (NM_199440.2); short protein forms A542G.
Identifiers: ClinVar variation 3340237 (VCV003340237.1).
Genomic context (GRCh38, chr2:197,487,143, plus strand): 5'-CCCATTGCACCCATTCCAGGGTCCTTCTCTTCTTTAGGAATTTCTGTGACTACAACTTCT[G>C]CTGTAGTTAACAGAGAGGCCACACCAGCAGCATCCAATAAAGCAGTTCTCACAACCTAGA-3'
Protein context (NP_002147.2, residues 532-552): AAGVASLLTT[Ala542Gly]EVVVTEIPKE

ClinVar aggregate classification (germline): Uncertain significance (1 of 4 stars; one submission).

Submission:

GeneDx
Classification: Uncertain significance. Last evaluated: 2024-02-07. Review status: criteria provided, single submitter. Criteria: GeneDx Variant Classification Process June 2021. Collection method: clinical testing. Allele origin: germline. Affected: yes.
Comment: Not observed at significant frequency in large population cohorts (gnomAD); In silico analysis supports that this missense variant has a deleterious effect on protein structure/function; This variant is associated with the following publications: (PMID: 30389777)